The following is an entry in ClinVar:

ClinVar aggregate classification (germline): Pathogenic/Likely pathogenic. Review status: criteria provided, multiple submitters, no conflicts (2 of 4 stars). 4 submissions from 4 submitters: Pathogenic (3); Likely pathogenic (1). Last evaluated 2023-10-16.

Conditions:
Myelodysplastic syndrome (MDS). Also called: Myelodysplastic syndromes; MYELODYSPLASTIC SYNDROME, SUSCEPTIBILITY TO; Myelodysplastic syndrome, somatic. Identifiers: Orphanet 52688, MedGen C3463824, MeSH D009190, MONDO:0018881, OMIM 614286.
Bohring-Opitz syndrome. Also called: BOHRING SYNDROME; OPITZ TRIGONOCEPHALY-LIKE SYNDROME; ASXL1-Related Bohring-Opitz Syndrome; C-LIKE SYNDROME. Identifiers: Orphanet 97297, MedGen C0796232, MONDO:0011510, OMIM 605039.
Inborn genetic diseases. Identifiers: MedGen C0950123, MeSH D030342.

Submissions (4):

GeneDx
Classification: Pathogenic. Last evaluated: 2023-10-16. Review status: criteria provided, single submitter. Criteria: GeneDx Variant Classification Process June 2021. Collection method: clinical testing. Allele origin: germline. Affected: yes.
Comment: Frameshift variant predicted to result in protein truncation or nonsense mediated decay in a gene for which loss-of-function is a known mechanism of disease; Not observed in large population cohorts (gnomAD); Has not been previously published as pathogenic or benign to our knowledge

Fulgent Genetics
Classification: Likely pathogenic for Bohring-Opitz syndrome; Myelodysplastic syndrome. Last evaluated: 2022-05-03. Review status: criteria provided, single submitter. Criteria: ACMG Guidelines, 2015. Collection method: clinical testing. Allele origin: unknown.

Labcorp Genetics (formerly Invitae), Labcorp
Classification: Pathogenic. Last evaluated: 2021-02-15. Review status: criteria provided, single submitter. Criteria: Invitae Variant Classification Sherloc (09022015). Collection method: clinical testing. Allele origin: germline.
Comment: This sequence change creates a premature translational stop signal (p.Pro1377Serfs*3) in the ASXL1 gene. While this is not anticipated to result in nonsense mediated decay, it is expected to disrupt the last 165 amino acid(s) of the ASXL1 protein. This variant is not present in population databases (ExAC no frequency). This variant has been observed in individual(s) with clinical features of Bohring-Opitz syndrome (Invitae). ClinVar contains an entry for this variant (Variation ID: 521420). This variant disrupts the C-terminus of the ASXL1 protein. Other variant(s) that disrupt this region (p.Glu1400*) have been determined to be pathogenic (PMID: 31969346). This suggests that variants that disrupt this region of the protein are likely to be causative of disease. For these reasons, this variant has been classified as Pathogenic.

Ambry Genetics
Classification: Pathogenic for Inborn genetic diseases. Last evaluated: 2016-12-09. Review status: criteria provided, single submitter. Criteria: Ambry exome assertion method (8-5-2015). Collection method: clinical testing. Allele origin: germline. Affected: yes. Observed: 1 variant allele.

Literature cited by the submitters: PubMed 31969346 (cited by Labcorp Genetics (formerly Invitae), Labcorp); PubMed 26364555 (cited by Ambry Genetics); PubMed 16412590 (cited by Ambry Genetics); PubMed 21706002 (cited by Ambry Genetics).

NM_015338.6(ASXL1):c.4127dup (p.Pro1377fs)

Gene: ASXL1 (ASXL transcriptional regulator 1; plus strand). Cytogenetic location: 20q11.21.
Variant type: Duplication.
Coding change: c.4127dup on transcript NM_015338.6 (MANE Select); coding-DNA position 4127, one base duplicated (G; older notation c.4127dupG).
Protein change: p.Pro1377fs; shifts the reading frame from proline 1377.
Molecular consequence: frameshift variant.
Genome position (GRCh38, 1-based): chr20:32,436,839, G duplicated; the last of 6 consecutive G bases (chr20:32,436,834-32,436,839); duplicating any one gives the same sequence. VCF-style (leftmost placement, unchanged base first): chr20-32436833-T-TG. GRCh37 (hg19) VCF-style: chr20-31024636-T-TG.
Other names: c.4127dup (NM_015338.5); c.4127dupG (NM_015338.5); c.3944dup, p.Pro1316fs (NM_001363734.1); short protein forms P1377fs, P1316fs.
Identifiers: ClinVar variation 521420 (VCV000521420.14), dbSNP rs1555912897, ClinGen allele CA645612978.